The following is an entry in ClinVar:

ClinVar aggregate classification (germline): Pathogenic. Review status: criteria provided, multiple submitters, no conflicts (2 of 4 stars). 2 submissions from 2 submitters: Pathogenic (2). Last evaluated 2020-12-31.

Submissions (2):

Labcorp Genetics (formerly Invitae), Labcorp
Classification: Pathogenic. Last evaluated: 2020-12-31. Review status: criteria provided, single submitter. Criteria: Invitae Variant Classification Sherloc (09022015). Collection method: clinical testing. Allele origin: germline.
Comment: This sequence change creates a premature translational stop signal (p.Val74Glyfs*4) in the PHEX gene. It is expected to result in an absent or disrupted protein product. Loss-of-function variants in PHEX are known to be pathogenic (PMID: 9097956, 9106524, 19219621). This variant is not present in population databases (ExAC no frequency). This variant has been observed in individual(s) with hypophosphatemia (PMID: 30682568, Invitae). For these reasons, this variant has been classified as Pathogenic.

GeneDx
Classification: Pathogenic. Last evaluated: 2016-07-15. Review status: criteria provided, single submitter. Criteria: GeneDx Variant Classification (06012015). Collection method: clinical testing. Allele origin: germline. Affected: yes.
Comment: The c.221_222delTG variant in the PHEX gene causes a frameshift starting with codon Valine 74, changes this amino acid to a Glycine residue and creates a premature Stop codon at position 4 of the new reading frame, denoted p.Val74GlyfsX4. This pathogenic variant is predicted to cause loss of normal protein function either through protein truncation or nonsense-mediated mRNA decay. The variant was not observed in approximately 6,500 individuals of European and African American ancestry in the NHLBI Exome Sequencing Project, indicating it is not a common benign variant in these populations.

Literature cited by the submitters: PubMed 9097956 (cited by Labcorp Genetics (formerly Invitae), Labcorp); PubMed 9106524 (cited by Labcorp Genetics (formerly Invitae), Labcorp); PubMed 19219621 (cited by Labcorp Genetics (formerly Invitae), Labcorp); PubMed 30682568 (cited by Labcorp Genetics (formerly Invitae), Labcorp).

NM_000444.6(PHEX):c.221_222del (p.Val74fs)

Gene: PHEX (phosphate regulating endopeptidase X-linked; plus strand). Cytogenetic location: Xp22.11.
Variant type: Microsatellite.
Coding change: c.221_222del on transcript NM_000444.6 (MANE Select); coding-DNA positions 221 to 222, 2 bases deleted (TG; older notation c.221_222delTG).
Protein change: p.Val74fs; shifts the reading frame from valine 74.
Molecular consequence: frameshift variant.
Genome position (GRCh38, 1-based): chrX:22,047,083-22,047,084, TG deleted; deleting any 2 consecutive bases within chrX:22,047,081-22,047,084 gives the same sequence; the c. name uses the placement nearest the transcript's 3' end. VCF-style (leftmost placement, unchanged base first): chrX-22047080-CTG-C. GRCh37 (hg19) VCF-style: chrX-22065198-CTG-C.
Other names: c.221_222del, p.Val74fs (NM_001282754.2); short protein forms V74fs.
Identifiers: ClinVar variation 265498 (VCV000265498.9), dbSNP rs886039580, ClinGen allele CA10588756.